The following is an entry in ClinVar:

ClinVar aggregate classification (germline): Uncertain significance (1 of 4 stars; one submission).

Conditions:
Primary ciliary dyskinesia 28. Also called: CILIARY DYSKINESIA, PRIMARY, 28, WITH OR WITHOUT SITUS INVERSUS. Identifiers: Orphanet 244, MedGen C3809706, MONDO:0014216, OMIM 615505.

Submission:

Labcorp Genetics (formerly Invitae), Labcorp
Classification: Uncertain significance for Primary ciliary dyskinesia 28. Last evaluated: 2019-03-30. Review status: criteria provided, single submitter. Criteria: Invitae Variant Classification Sherloc (09022015). Collection method: clinical testing. Allele origin: germline.
Comment: This variant is an in-frame deletion of the genomic region encompassing exons 14-15 of the SPAG1 gene. It preserves the integrity of the reading frame. In summary, the available evidence is currently insufficient to determine the role of this variant in disease. Therefore, it has been classified as a Variant of Uncertain Significance. Experimental studies are not available for this variant, and the functional significance of a deletion of these exons is currently unknown. This variant has not been reported in the literature in individuals with SPAG1-related conditions.

NC_000008.11:g.(?_100225153)_(100231308_?)del

Gene: SPAG1 (sperm associated antigen 1; plus strand). Cytogenetic location: 8q22.2.
Variant type: Deletion.
Identifiers: ClinVar variation 833430 (VCV000833430.7).